The following is an entry in ClinVar:

ClinVar aggregate classification (germline): Uncertain significance (1 of 4 stars; one submission).

Submission:

Labcorp Genetics (formerly Invitae), Labcorp
Classification: Uncertain significance. Last evaluated: 2022-08-24. Review status: criteria provided, single submitter. Criteria: Invitae Variant Classification Sherloc (09022015). Collection method: clinical testing. Allele origin: germline.
Comment: Algorithms developed to predict the effect of missense changes on protein structure and function are either unavailable or do not agree on the potential impact of this missense change (SIFT: "Not Available"; PolyPhen-2: "Benign"; Align-GVGD: "Not Available"). This variant has not been reported in the literature in individuals affected with SAMD9L-related conditions. This variant is not present in population databases (gnomAD no frequency). This sequence change replaces serine, which is neutral and polar, with alanine, which is neutral and non-polar, at codon 707 of the SAMD9L protein (p.Ser707Ala). In summary, the available evidence is currently insufficient to determine the role of this variant in disease. Therefore, it has been classified as a Variant of Uncertain Significance.

NM_152703.5(SAMD9L):c.2119T>G (p.Ser707Ala)

Gene: SAMD9L (sterile alpha motif domain containing 9 like; minus strand). Cytogenetic location: 7q21.2.
Variant type: single nucleotide variant.
Coding change: c.2119T>G on transcript NM_152703.5 (MANE Select); coding-DNA position 2119, T replaced by G.
Protein change: p.Ser707Ala; replaces serine 707 with alanine.
Molecular consequence: missense variant.
Genome position (GRCh38, 1-based): chr7:93,133,853, A>C on the plus strand (T>G on the coding strand, the complement: SAMD9L is on the minus strand). VCF-style: chr7-93133853-A-C. GRCh37 (hg19) VCF-style: chr7-92763166-A-C.
Other names: c.2119T>G, p.Ser707Ala (NM_001303496.3, NM_001303497.3, NM_001303498.3 and 5 more transcripts); short protein forms S707A.
Identifiers: ClinVar variation 1975147 (VCV001975147.5), dbSNP rs990833480, ClinGen allele CA161961947.